The following is an entry in ClinVar:

ClinVar aggregate classification (germline): Pathogenic. Review status: criteria provided, multiple submitters, no conflicts (2 of 4 stars). 2 submissions from 2 submitters: Pathogenic (2). Last evaluated 2024-08-12.

Conditions:
ENG-related disorder. Also called: ENG-related condition; ENG-related disorders.

Submissions (2):

GeneDx
Classification: Pathogenic. Last evaluated: 2024-08-12. Review status: criteria provided, single submitter. Criteria: GeneDx Variant Classification Process June 2021. Collection method: clinical testing. Allele origin: germline. Affected: yes.
Comment: Not observed at significant frequency in large population cohorts (gnomAD); Nonsense variant predicted to result in protein truncation or nonsense mediated decay in a gene for which loss of function is a known mechanism of disease; This variant is associated with the following publications: (PMID: 32300199, 19767588)

Blueprint Genetics
Classification: Pathogenic for ENG-related disorders. Last evaluated: 2020-10-13. Review status: criteria provided, single submitter. Criteria: ACMG Guidelines, 2015. Collection method: clinical testing. Allele origin: germline. Affected: yes. Observed: 1 variant allele.

NM_001114753.3(ENG):c.726C>A (p.Cys242Ter)

Gene: ENG (endoglin; minus strand). Cytogenetic location: 9q34.11.
Variant type: single nucleotide variant.
Coding change: c.726C>A on transcript NM_001114753.3 (MANE Select); coding-DNA position 726, C replaced by A.
Protein change: p.Cys242Ter; replaces cysteine 242 with a stop codon.
Molecular consequence: nonsense.
Genome position (GRCh38, 1-based): chr9:127,825,321, G>T on the plus strand (C>A on the coding strand, the complement: ENG is on the minus strand). VCF-style: chr9-127825321-G-T. GRCh37 (hg19) VCF-style: chr9-130587600-G-T.
Other names: c.726C>A, p.Cys242Ter (NM_000118.4, NM_001406715.1); c.180C>A, p.Cys60Ter (NM_001278138.2); short protein forms C242*, C60*.
Identifiers: ClinVar variation 620110 (VCV000620110.7), dbSNP rs545465750, ClinGen allele CA374983400.
Genomic context (GRCh38, chr9:127,825,321, plus strand): 5'-GAGCCAGGACACGTAGGGGGGACCCTGCAGGATGAGGACGGCATCGAGATCCCCGGGTGC[G>T]CAGCTCAGTTCCACCTTCACCGTCACCGTCCGGGGCCTGCGGGGAGACAGACGCGGATGG-3'